The following is an entry in ClinVar:

ClinVar aggregate classification (germline): Conflicting classifications of pathogenicity. Review status: criteria provided, conflicting classifications (1 of 4 stars). 9 submissions from 9 submitters: Uncertain significance (3); Benign (1); Likely benign (4). 1 of the submissions does not count toward it. Last evaluated 2026-03-01.

Conditions:
SPTA1-related disorder. Also called: SPTA1-related disorders; SPTA1-related condition.

Allele frequency attached by ClinVar (database versions not stated): 1000 Genomes Project 30x 0.00031; gnomAD exomes 0.00074 and 0.00155; gnomAD 0.00105; TOPMed 0.00106; ESP Exome Variant Server 0.00126.
gnomAD v4.1: 2,383 of 1,613,308 alleles (0.15%); highest among the groups gnomAD compares: Non-Finnish European, 0.19%; 5 homozygotes.

Submissions (9):

CeGaT Center for Human Genetics Tuebingen
Classification: Likely benign. Last evaluated: 2026-03-01. Review status: criteria provided, single submitter. Criteria: CeGaT Center For Human Genetics Tuebingen Variant Classification Criteria Version 2. Collection method: clinical testing. Allele origin: germline. Affected: yes. Observed: 1 variant allele.
Comment: SPTA1: BP4

Labcorp Genetics (formerly Invitae), Labcorp
Classification: Benign. Last evaluated: 2025-11-03. Review status: criteria provided, single submitter. Criteria: Invitae Variant Classification Sherloc (09022015). Collection method: clinical testing. Allele origin: germline.

Mayo Clinic Laboratories, Mayo Clinic
Classification: Uncertain significance. Last evaluated: 2025-09-04. Review status: criteria provided, single submitter. Criteria: ACMG Guidelines, 2015. Collection method: clinical testing. Allele origin: germline. Observed: 3 variant alleles.

ARUP Laboratories, Molecular Genetics and Genomics, ARUP Laboratories
Classification: Likely benign. Last evaluated: 2025-04-01. Review status: criteria provided, single submitter. Criteria: ARUP Molecular Germline Variant Investigation Process 2024. Collection method: clinical testing. Allele origin: germline.

GeneDx
Classification: Uncertain significance. Last evaluated: 2024-12-16. Review status: criteria provided, single submitter. Criteria: GeneDx Variant Classification Process June 2021. Collection method: clinical testing. Allele origin: germline. Affected: yes.
Comment: In silico analysis supports that this missense variant has a deleterious effect on protein structure/function; Has not been previously reported as a pathogenic or benign germline variant to our knowledge; This variant is associated with the following publications: (PMID: 34454393)

Blueprint Genetics
Classification: Likely benign. Last evaluated: 2024-11-20. Review status: criteria provided, single submitter. Criteria: ACMG Guidelines, 2015. Collection method: clinical testing. Allele origin: germline.

Revvity Omics, Revvity
Classification: Likely benign. Last evaluated: 2024-11-19. Review status: criteria provided, single submitter. Criteria: ACMG Guidelines, 2015. Collection method: clinical testing. Allele origin: germline.

Ambry Genetics
Classification: Uncertain significance. Last evaluated: 2021-08-09. Review status: criteria provided, single submitter. Criteria: Ambry Variant Classification Scheme 2023. Collection method: clinical testing. Allele origin: germline.

PreventionGenetics, part of Exact Sciences
Classification: Likely benign for SPTA1-related condition. Last evaluated: 2022-07-19. Review status: no assertion criteria provided. Collection method: clinical testing. Allele origin: germline. Not counted in ClinVar's aggregate classification.
Comment: This variant is classified as likely benign based on ACMG/AMP sequence variant interpretation guidelines (Richards et al. 2015 PMID: 25741868, with internal and published modifications).

NM_003126.4(SPTA1):c.373G>A (p.Ala125Thr)

Gene: SPTA1 (spectrin alpha, erythrocytic 1; minus strand). Cytogenetic location: 1q23.1.
Variant type: single nucleotide variant.
Coding change: c.373G>A on transcript NM_003126.4 (MANE Select); coding-DNA position 373, G replaced by A.
Protein change: p.Ala125Thr; replaces alanine 125 with threonine.
Molecular consequence: missense variant.
Genome position (GRCh38, 1-based): chr1:158,683,388, C>T on the plus strand (G>A on the coding strand, the complement: SPTA1 is on the minus strand). VCF-style: chr1-158683388-C-T. GRCh37 (hg19) VCF-style: chr1-158653178-C-T.
Other names: p.Ala125Thr; short protein forms A125T.
Identifiers: ClinVar variation 547874 (VCV000547874.32), dbSNP rs201771255, ClinGen allele CA1184188.